The following is an entry in ClinVar:

NM_001378454.1(ALMS1):c.9782G>A (p.Gly3261Asp)

Gene: ALMS1 (ALMS1 centrosome and basal body associated protein; plus strand). Cytogenetic location: 2p13.1.
Variant type: single nucleotide variant.
Coding change: c.9782G>A on transcript NM_001378454.1 (MANE Select); coding-DNA position 9782, G replaced by A.
Protein change: p.Gly3261Asp; replaces glycine 3261 with aspartic acid.
Molecular consequence: missense variant.
Genome position (GRCh38, 1-based): chr2:73,534,824, G>A. VCF-style: chr2-73534824-G-A. GRCh37 (hg19) VCF-style: chr2-73761951-G-A.
Other names: c.9785G>A, p.Gly3262Asp (NM_015120.4); short protein forms G3261D, G3262D.
Identifiers: ClinVar variation 1331174 (VCV001331174.4), dbSNP rs2103991983, ClinGen allele CA347263343.

ClinVar aggregate classification (germline): Uncertain significance. Review status: criteria provided, multiple submitters, no conflicts (2 of 4 stars). 2 submissions from 2 submitters: Uncertain significance (2). Last evaluated 2021-08-11.

Conditions:
Alstrom syndrome (ALMS). Identifiers: Orphanet 64, MedGen C0268425, MONDO:0008763, OMIM 203800.

Submissions (2):

Labcorp Genetics (formerly Invitae), Labcorp
Classification: Uncertain significance for Alstrom syndrome. Last evaluated: 2021-08-11. Review status: criteria provided, single submitter. Criteria: Invitae Variant Classification Sherloc (09022015). Collection method: clinical testing. Allele origin: germline.
Comment: This sequence change replaces glycine with aspartic acid at codon 3262 of the ALMS1 protein (p.Gly3262Asp). The glycine residue is weakly conserved and there is a moderate physicochemical difference between glycine and aspartic acid. This variant is not present in population databases (ExAC no frequency). This variant has not been reported in the literature in individuals affected with ALMS1-related conditions. Experimental studies and prediction algorithms are not available or were not evaluated, and the functional significance of this variant is currently unknown. Algorithms developed to predict the effect of sequence changes on RNA splicing suggest that this variant is not likely to affect RNA splicing. In summary, the available evidence is currently insufficient to determine the role of this variant in disease. Therefore, it has been classified as a Variant of Uncertain Significance.

GeneDx
Classification: Uncertain significance. Last evaluated: 2021-06-29. Review status: criteria provided, single submitter. Criteria: GeneDx Variant Classification Process June 2021. Collection method: clinical testing. Allele origin: germline. Affected: yes.
Comment: Not observed at significant frequency in large population cohorts (Lek et al., 2016); In silico analysis supports that this missense variant does not alter protein structure/function; Has not been previously published as pathogenic or benign to our knowledge; This variant is associated with the following publications: (PMID: 27535533)